The following is an entry in ClinVar:

ClinVar aggregate classification (germline): Uncertain significance (1 of 4 stars; one submission).

Conditions:
Coffin-Siris syndrome 11. Identifiers: MedGen C5241442, MONDO:0032912, OMIM 618779.

Submission:

Victorian Clinical Genetics Services, Murdoch Childrens Research Institute
Classification: Uncertain significance for Coffin-Siris syndrome 11. Last evaluated: 2024-10-09. Review status: criteria provided, single submitter. Criteria: ACMG Guidelines, 2015. Collection method: clinical testing. Allele origin: germline. Inheritance: Autosomal dominant inheritance.
Comment: Based on the classification scheme VCGS_Germline_v1.3.4, this variant is classified as VUS-3A. Following criteria are met: 0105 - The mechanism of disease for this gene is not clearly established. (I) 0107 - This gene is associated with autosomal dominant disease. (I) 0211 - Canonical splice site variant without proven consequence on splicing (no functional evidence available). (SP) 0251 - This variant is heterozygous. (I) 0301 - Variant is absent from gnomAD (both v2 and v3). (SP) 0505 - Abnormal splicing is predicted by in silico tools and affected nucleotide is highly conserved. (SP) 0705 - No comparable splice variants have previous evidence for pathogenicity. (I) 0807 - This variant has no previous evidence of pathogenicity. (I) 0905 - No published segregation evidence has been identified for this variant. (I) 1007 - No published functional evidence has been identified for this variant. (I) 1208 - Inheritance information for this variant is not currently available in this individual. (I) Legend: (SP) - Supporting pathogenic, (I) - Information, (SB) - Supporting benign

NM_003076.5(SMARCD1):c.1393-1G>A

Gene: SMARCD1 (SWI/SNF related BAF chromatin remodeling complex subunit D1; plus strand). Cytogenetic location: 12q13.12.
Variant type: single nucleotide variant.
Coding change: c.1393-1G>A on transcript NM_003076.5 (MANE Select); the canonical splice acceptor site of the intron before coding-DNA position 1393, G replaced by A.
Molecular consequence: splice acceptor variant.
Genome position (GRCh38, 1-based): chr12:50,098,713, G>A. VCF-style: chr12-50098713-G-A. GRCh37 (hg19) VCF-style: chr12-50492496-G-A.
Other names: c.1270-1G>A (NM_139071.3).
Identifiers: ClinVar variation 3377221 (VCV003377221.1).